The following is an entry in ClinVar:

ClinVar aggregate classification (germline): Uncertain significance (1 of 4 stars; one submission).

Conditions:
Kabuki syndrome. Also called: NIIKAWA-KUROKI SYNDROME; Kabuki make-up syndrome. Identifiers: Orphanet 2322, MedGen C0796004, MONDO:0016512.

Submission:

Labcorp Genetics (formerly Invitae), Labcorp
Classification: Uncertain significance for Kabuki syndrome. Last evaluated: 2023-02-18. Review status: criteria provided, single submitter. Criteria: Invitae Variant Classification Sherloc (09022015). Collection method: clinical testing. Allele origin: germline.
Comment: This sequence change replaces serine, which is neutral and polar, with proline, which is neutral and non-polar, at codon 1102 of the KMT2D protein (p.Ser1102Pro). This variant is not present in population databases (gnomAD no frequency). This variant has not been reported in the literature in individuals affected with KMT2D-related conditions. Advanced modeling of protein sequence and biophysical properties (such as structural, functional, and spatial information, amino acid conservation, physicochemical variation, residue mobility, and thermodynamic stability) performed at Invitae indicates that this missense variant is not expected to disrupt KMT2D protein function. In summary, the available evidence is currently insufficient to determine the role of this variant in disease. Therefore, it has been classified as a Variant of Uncertain Significance.

NM_003482.4(KMT2D):c.3304T>C (p.Ser1102Pro)

Gene: KMT2D (lysine methyltransferase 2D; minus strand). Cytogenetic location: 12q13.12.
Variant type: single nucleotide variant.
Coding change: c.3304T>C on transcript NM_003482.4 (MANE Select); coding-DNA position 3304, T replaced by C.
Protein change: p.Ser1102Pro; replaces serine 1102 with proline.
Molecular consequence: missense variant.
Genome position (GRCh38, 1-based): chr12:49,050,284, A>G on the plus strand (T>C on the coding strand, the complement: KMT2D is on the minus strand). VCF-style: chr12-49050284-A-G. GRCh37 (hg19) VCF-style: chr12-49444067-A-G.
Other names: short protein forms S1102P.
Identifiers: ClinVar variation 2838939 (VCV002838939.3), dbSNP rs2120648344, ClinGen allele CA384657777.
Genomic context (GRCh38, chr12:49,050,284, plus strand): 5'-TGTCTTCCCCTAGGCCAGAGAAGTCATCCAGGGCTGGGGCAGGGCTGGGGGCGGGGCAGG[A>G]AAGGTCCCCCATTGGGGAAGGGAGAGGACTGGTGGCACTGGGTTCCAAGGCTGGGCATTC-3'
Protein context (NP_003473.3, residues 1092-1112): SPLPSPMGDL[Ser1102Pro]CPAPSPAPAL